The following is an entry in ClinVar:

NM_003719.5(PDE8B):c.1876G>A (p.Ala626Thr)

Gene: PDE8B (phosphodiesterase 8B; plus strand). Cytogenetic location: 5q13.3.
Variant type: single nucleotide variant.
Coding change: c.1876G>A on transcript NM_003719.5 (MANE Select); coding-DNA position 1876, G replaced by A.
Protein change: p.Ala626Thr; replaces alanine 626 with threonine.
Molecular consequence: missense variant.
Genome position (GRCh38, 1-based): chr5:77,413,274, G>A. VCF-style: chr5-77413274-G-A. GRCh37 (hg19) VCF-style: chr5-76709099-G-A.
Other names: c.1585G>A, p.Ala529Thr (NM_001029851.4); c.1711G>A, p.Ala571Thr (NM_001029852.4); c.1816G>A, p.Ala606Thr (NM_001029853.4); c.1735G>A, p.Ala579Thr (NM_001029854.4); c.1873G>A, p.Ala625Thr (NM_001349748.3, NM_001349751.3); c.1939G>A, p.Ala647Thr (NM_001349749.3); c.1636G>A, p.Ala546Thr (NM_001349750.3); c.1570G>A, p.Ala524Thr (NM_001349752.3); and 12 more; short protein forms A405T, A408T, A428T, A477T, A478T, A498T, A502T, A505T.
Identifiers: ClinVar variation 4975898 (VCV004975898.1).

ClinVar aggregate classification (germline): Uncertain significance (1 of 4 stars; one submission).

gnomAD v4.1: 1 of 1,613,680 alleles (0.000062%); highest among the groups gnomAD compares: Non-Finnish European, 0.000085%; no homozygotes.

Submission:

GeneDx
Classification: Uncertain significance. Last evaluated: 2026-02-02. Review status: criteria provided, single submitter. Criteria: GeneDx Variant Classification Process June 2021. Collection method: clinical testing. Allele origin: germline.
Comment: Not observed at significant frequency in large population cohorts (gnomAD); In silico analysis supports that this missense variant has a deleterious effect on protein structure/function; Has not been previously published as pathogenic or benign to our knowledge